The following is an entry in ClinVar:

NC_000022.10:g.(?_24130008)_(24176449_?)dup

Gene: SMARCB1 (SWI/SNF related BAF chromatin remodeling complex subunit B1; plus strand). Cytogenetic location: 22q11.23.
Variant type: Duplication.
Identifiers: ClinVar variation 1062549 (VCV001062549.1).

ClinVar aggregate classification (germline): Uncertain significance (1 of 4 stars; one submission).

Submission:

Labcorp Genetics (formerly Invitae), Labcorp
Classification: Uncertain significance. Last evaluated: 2020-10-19. Review status: criteria provided, single submitter. Criteria: Invitae Variant Classification Sherloc (09022015). Collection method: clinical testing. Allele origin: germline.
Comment: A gross duplication of the genomic region encompassing nearly the full coding sequence of the SMARCB1 gene has been identified. The 5' breakpoint is located at the c.5 position in exon 1, which affects the second methionine among four consecutive initiator methionines. The 3' boundary of this event may extend beyond the assayed region for this gene and therefore may encompass additional genes. The duplicated copy of this region is in tandem. This gross duplication has not been reported in the literature in individuals with a SMARCB1-related disease. Experimental studies and prediction algorithms are not available for this variant, and the functional significance of the duplicated region is currently unknown. In summary, the available evidence is currently insufficient to determine the role of this variant in disease. Therefore, it has been classified as a Variant of Uncertain Significance.